The following is an entry in ClinVar:

NM_007194.4(CHEK2):c.1016A>C (p.His339Pro)

Gene: CHEK2 (checkpoint kinase 2; minus strand). Cytogenetic location: 22q12.1.
Variant type: single nucleotide variant.
Coding change: c.1016A>C on transcript NM_007194.4 (MANE Select); coding-DNA position 1016, A replaced by C.
Protein change: p.His339Pro; replaces histidine 339 with proline.
Molecular consequence: missense variant. On other transcripts: intron variant (3).
Genome position (GRCh38, 1-based): chr22:28,696,980, T>G on the plus strand (A>C on the coding strand, the complement: CHEK2 is on the minus strand). VCF-style: chr22-28696980-T-G. GRCh37 (hg19) VCF-style: chr22-29092968-T-G.
Other names: c.1145A>C, p.His382Pro (NM_001005735.3); c.353A>C, p.His118Pro (NM_001257387.3, NM_001437942.1); c.815A>C, p.His272Pro (NM_001349956.3); c.1109A>C, p.His370Pro (NM_001438293.1); c.1009-1107A>C (NM_145862.3); c.1102-1107A>C (NM_001438295.1); c.1138-1107A>C (NM_001438294.1); short protein forms H118P, H339P, H382P, H272P, H370P.
Identifiers: ClinVar variation 959676 (VCV000959676.6), dbSNP rs1555914365, ClinGen allele CA411097829.

ClinVar aggregate classification (germline): Uncertain significance (1 of 4 stars; one submission).

Conditions:
Familial cancer of breast. Also called: BREAST CANCER, FAMILIAL; Hereditary breast cancer; hereditary breast carcinoma. Identifiers: Orphanet 227535, MedGen C0346153, MONDO:0016419, OMIM 114480. Disease mechanism: loss of function.

Submission:

Labcorp Genetics (formerly Invitae), Labcorp
Classification: Uncertain significance for Familial cancer of breast. Last evaluated: 2022-10-08. Review status: criteria provided, single submitter. Criteria: Invitae Variant Classification Sherloc (09022015). Collection method: clinical testing. Allele origin: germline.
Comment: This sequence change replaces histidine, which is basic and polar, with proline, which is neutral and non-polar, at codon 339 of the CHEK2 protein (p.His339Pro). This variant is not present in population databases (gnomAD no frequency). This variant has not been reported in the literature in individuals affected with CHEK2-related conditions. ClinVar contains an entry for this variant (Variation ID: 959676). Algorithms developed to predict the effect of missense changes on protein structure and function are either unavailable or do not agree on the potential impact of this missense change (SIFT: "Deleterious"; PolyPhen-2: "Probably Damaging"; Align-GVGD: "Class C0"). In summary, the available evidence is currently insufficient to determine the role of this variant in disease. Therefore, it has been classified as a Variant of Uncertain Significance.